The following is an entry in ClinVar:

ClinVar aggregate classification (germline): Uncertain significance (1 of 4 stars; one submission).

Conditions:
Congenital heart defects, dysmorphic facial features, and intellectual developmental disorder (CHDFIDD). Identifiers: Orphanet 646278, MedGen C4479246, MONDO:0044302, OMIM 617360.

Submission:

Baylor Genetics
Classification: Uncertain significance for Congenital heart defects, dysmorphic facial features, and intellectual developmental disorder. Last evaluated: 2019-07-27. Review status: criteria provided, single submitter. Criteria: ACMG Guidelines, 2015. Collection method: clinical testing. Allele origin: unknown. Affected: yes.
Comment: This variant was determined to be of uncertain significance according to ACMG Guidelines, 2015 [PMID:25741868].

NM_003718.5(CDK13):c.3481C>G (p.Pro1161Ala)

Gene: CDK13 (cyclin dependent kinase 13; plus strand). Cytogenetic location: 7p14.1.
Variant type: single nucleotide variant.
Coding change: c.3481C>G on transcript NM_003718.5 (MANE Select); coding-DNA position 3481, C replaced by G.
Protein change: p.Pro1161Ala; replaces proline 1161 with alanine.
Molecular consequence: missense variant.
Genome position (GRCh38, 1-based): chr7:40,093,030, C>G. VCF-style: chr7-40093030-C-G. GRCh37 (hg19) VCF-style: chr7-40132629-C-G.
Other names: c.3301C>G, p.Pro1101Ala (NM_031267.4); short protein forms P1161A, P1101A.
Identifiers: ClinVar variation 1028147 (VCV001028147.1), dbSNP rs1349469992, ClinGen allele CA367295110.